The following is an entry in ClinVar:

NM_021830.5(TWNK):c.672T>C (p.Ala224=)

Gene: TWNK (twinkle mtDNA helicase; plus strand). Cytogenetic location: 10q24.31.
Variant type: single nucleotide variant.
Coding change: c.672T>C on transcript NM_021830.5 (MANE Select); coding-DNA position 672, T replaced by C.
Protein change: p.Ala224=; no amino-acid change (alanine 224 retained).
Molecular consequence: synonymous variant. On other transcripts: non-coding transcript variant (4), intron variant (3).
Genome position (GRCh38, 1-based): chr10:100,988,882, T>C. VCF-style: chr10-100988882-T-C. GRCh37 (hg19) VCF-style: chr10-102748639-T-C.
Other names: c.672T>C, p.Ala224= (NM_001163812.2); c.-119-762T>C (NM_001163814.2, NM_001163813.2); c.-57-824T>C (NM_001368275.1).
Identifiers: ClinVar variation 878844 (VCV000878844.37), dbSNP rs368863664, ClinGen allele CA5653099.

ClinVar aggregate classification (germline): Conflicting classifications of pathogenicity. Review status: criteria provided, conflicting classifications (1 of 4 stars). 8 submissions from 5 submitters: Uncertain significance (2); Benign (2); Likely benign (3). 1 of the submissions does not count toward it. Last evaluated 2025-12-27.

Conditions:
TWNK-related disorder. Also called: TWNK-related condition.
Autosomal recessive cerebellar ataxia. Also called: Spinocerebellar Ataxia, Recessive; Spinocerebellar ataxia, autosomal recessive. Identifiers: Orphanet 1172, MedGen C5575375, MONDO:0015244.
Progressive external ophthalmoplegia with mitochondrial DNA deletions, autosomal dominant 3. Also called: PROGRESSIVE EXTERNAL OPHTHALMOPLEGIA, AUTOSOMAL DOMINANT 3. Identifiers: MedGen C1836439, MONDO:0012241, OMIM 609286.
Sensory ataxic neuropathy, dysarthria, and ophthalmoparesis (SANDO). Also called: Ataxia Neuropathy Spectrum (ANS); Epilepsy, progressive myoclonic, type 5; SENSORY ATAXIC NEUROPATHY WITH MITOCHONDRIAL DNA DELETIONS, AUTOSOMAL RECESSIVE; Sensory ataxic neuropathy-dysarthria-ophthalmoparesis syndrome. Identifiers: Orphanet 70595, MedGen C1843851, MONDO:0011835, OMIM 607459.
Infantile onset spinocerebellar ataxia (MTDPS7). Also called: SPINOCEREBELLAR ATAXIA, INFANTILE, WITH SENSORY NEUROPATHY; Mitochondrial DNA depletion syndrome 7 (hepatocerebral type); OHAHA SYNDROME; OPHTHALMOPLEGIA, HYPOTONIA, ATAXIA, HYPOACUSIS, AND ATHETOSIS. Identifiers: Orphanet 1186, MedGen C1849096, MONDO:0010060, OMIM 271245.

Allele frequency attached by ClinVar (database versions not stated): ESP Exome Variant Server 0.00008; gnomAD exomes 0.00008 and 0.00011; ExAC 0.00012; gnomAD 0.00004; TOPMed 0.00007.
gnomAD v4.1: 157 of 1,614,052 alleles (0.0097%); highest among the groups gnomAD compares: Non-Finnish European, 0.013%; no homozygotes.

Submissions (8):

Labcorp Genetics (formerly Invitae), Labcorp
Classification: Likely benign. Last evaluated: 2025-12-27. Review status: criteria provided, single submitter. Criteria: Invitae Variant Classification Sherloc (09022015). Collection method: clinical testing. Allele origin: germline.

Blueprint Genetics
Classification: Likely benign. Last evaluated: 2023-11-07. Review status: criteria provided, single submitter. Criteria: ACMG Guidelines, 2015. Collection method: clinical testing. Allele origin: germline.

CeGaT Center for Human Genetics Tuebingen
Classification: Likely benign. Last evaluated: 2022-10-01. Review status: criteria provided, single submitter. Criteria: CeGaT Center For Human Genetics Tuebingen Variant Classification Criteria Version 2. Collection method: clinical testing. Allele origin: germline. Affected: yes. Observed: 1 variant allele.
Comment: TWNK: BP4, BP7

Illumina Laboratory Services, Illumina
Classification: Benign for Progressive external ophthalmoplegia with mitochondrial DNA deletions, autosomal dominant 3. Last evaluated: 2018-01-13. Review status: criteria provided, single submitter. Criteria: ICSL Variant Classification Criteria 13 December 2019. Collection method: clinical testing. Allele origin: germline.
Comment: This variant was observed in the ICSL laboratory as part of a predisposition screen in an ostensibly healthy population. It had not been previously curated by ICSL or reported in the Human Gene Mutation Database (HGMD: prior to June 1st, 2018), and was therefore a candidate for classification through an automated scoring system. Utilizing variant allele frequency, disease prevalence and penetrance estimates, and inheritance mode, an automated score was calculated to assess if this variant is too frequent to cause the disease. Based on the score and internal cut-off values, a variant classified as benign is not then subjected to further curation. The score for this variant resulted in a classification of benign for this disease.

Illumina Laboratory Services, Illumina
Classification: Uncertain significance for Infantile onset spinocerebellar ataxia. Last evaluated: 2018-01-13. Review status: criteria provided, single submitter. Criteria: ICSL Variant Classification Criteria 13 December 2019. Collection method: clinical testing. Allele origin: germline.

Illumina Laboratory Services, Illumina
Classification: Benign for Sensory ataxic neuropathy-dysarthria-ophthalmoparesis syndrome. Last evaluated: 2018-01-13. Review status: criteria provided, single submitter. Criteria: ICSL Variant Classification Criteria 13 December 2019. Collection method: clinical testing. Allele origin: germline.
Comment: the same text as in the submission from Illumina Laboratory Services, Illumina above.

Illumina Laboratory Services, Illumina
Classification: Uncertain significance for Autosomal recessive cerebellar ataxia. Last evaluated: 2018-01-13. Review status: criteria provided, single submitter. Criteria: ICSL Variant Classification Criteria 13 December 2019. Collection method: clinical testing. Allele origin: germline.

PreventionGenetics, part of Exact Sciences
Classification: Likely benign for TWNK-related condition. Last evaluated: 2023-01-11. Review status: no assertion criteria provided. Collection method: clinical testing. Allele origin: germline. Not counted in ClinVar's aggregate classification.
Comment: This variant is classified as likely benign based on ACMG/AMP sequence variant interpretation guidelines (Richards et al. 2015 PMID: 25741868, with internal and published modifications).